The following is an entry in ClinVar:

NM_001377229.1(DISP1):c.3989C>T (p.Thr1330Met)

Gene: DISP1 (dispatched RND transporter family member 1; plus strand). Cytogenetic location: 1q41.
Variant type: single nucleotide variant.
Coding change: c.3989C>T on transcript NM_001377229.1 (MANE Select); coding-DNA position 3989, C replaced by T.
Protein change: p.Thr1330Met; replaces threonine 1330 with methionine.
Molecular consequence: missense variant.
Genome position (GRCh38, 1-based): chr1:223,005,386, C>T. VCF-style: chr1-223005386-C-T. GRCh37 (hg19) VCF-style: chr1-223178728-C-T.
Other names: c.3989C>T, p.Thr1330Met (NM_032890.5, NM_001369594.1, NM_001377228.1); c.3989C>T (NM_032890.3); c.3260C>T, p.Thr1087Met (NM_001350630.2); short protein forms T1330M, T1087M.
Identifiers: ClinVar variation 1474810 (VCV001474810.9), dbSNP rs140229487, ClinGen allele CA1409511.
Genomic context (GRCh38, chr1:223,005,386, plus strand): 5'-ACGGCGTGGCACCTCTGAAGGCCACACACCAAGCTGTCGAGGGCTTTGTGCACCCCATCA[C>T]GCACATCCACCACTGTCCCTGCCTGCAGGGCAGAGTAAAGCCAGCCGGAATGCAGAATTC-3'
Protein context (NP_001364158.1, residues 1320-1340): QAVEGFVHPI[Thr1330Met]HIHHCPCLQG

ClinVar aggregate classification (germline): Uncertain significance. Review status: criteria provided, multiple submitters, no conflicts (2 of 4 stars). 2 submissions from 2 submitters: Uncertain significance (2). Last evaluated 2026-09-23.

Conditions:
DISP1-related disorder. Also called: DISP1-related condition.

Allele frequency attached by ClinVar (database versions not stated): gnomAD exomes 0.00007 and 0.00013; gnomAD 0.00010 and 0.00011; ExAC 0.00012; TOPMed 0.00019; 1000 Genomes Project 0.00020; 1000 Genomes Project 30x 0.00031; ESP Exome Variant Server 0.00031.
gnomAD v4.1: 121 of 1,613,336 alleles (0.0075%); highest among the groups gnomAD compares: Admixed American, 0.037%; 1 homozygote.

Submissions (2):

PreventionGenetics, part of Exact Sciences
Classification: Uncertain significance for DISP1-related condition. Last evaluated: 2026-09-23. Review status: criteria provided, single submitter. Criteria: ACMG Guidelines, 2015. Collection method: clinical testing. Allele origin: germline.
Comment: The DISP1 c.3989C>T variant is predicted to result in the amino acid substitution p.Thr1330Met. To our knowledge, this variant has not been reported in the literature. This variant is reported in 0.14% of alleles in individuals of Ashkenazi Jewish descent in gnomAD. Although we suspect that this variant may be benign, at this time, the clinical significance of this variant is uncertain due to the absence of conclusive functional and genetic evidence.

Labcorp Genetics (formerly Invitae), Labcorp
Classification: Uncertain significance. Last evaluated: 2023-10-13. Review status: criteria provided, single submitter. Criteria: Invitae Variant Classification Sherloc (09022015). Collection method: clinical testing. Allele origin: germline.
Comment: This sequence change replaces threonine, which is neutral and polar, with methionine, which is neutral and non-polar, at codon 1330 of the DISP1 protein (p.Thr1330Met). This variant is present in population databases (rs140229487, gnomAD 0.1%), and has an allele count higher than expected for a pathogenic variant. This variant has not been reported in the literature in individuals affected with DISP1-related conditions. ClinVar contains an entry for this variant (Variation ID: 1474810). An algorithm developed to predict the effect of missense changes on protein structure and function (PolyPhen-2) suggests that this variant is likely to be tolerated. In summary, the available evidence is currently insufficient to determine the role of this variant in disease. Therefore, it has been classified as a Variant of Uncertain Significance.